The following is an entry in ClinVar:

NM_005259.3(MSTN):c.490G>A (p.Glu164Lys)

Genes: C2orf88 (chromosome 2 open reading frame 88; plus strand), MSTN (myostatin; minus strand). Cytogenetic location: 2q32.2.
Variant type: single nucleotide variant.
Coding change: c.490G>A on transcript NM_005259.3 (MANE Select); coding-DNA position 490, G replaced by A.
Protein change: p.Glu164Lys; replaces glutamic acid 164 with lysine.
Molecular consequence: missense variant.
Genome position (GRCh38, 1-based): chr2:190,060,319, C>T on the plus strand (G>A on the coding strand, the complement: MSTN is on the minus strand). VCF-style: chr2-190060319-C-T. GRCh37 (hg19) VCF-style: chr2-190925045-C-T.
Other names: c.490G>A (LRG_200t1); short protein forms E164K.
Identifiers: ClinVar variation 333238 (VCV000333238.9), dbSNP rs35781413, ClinGen allele CA2027124.

ClinVar aggregate classification (germline): Benign/Likely benign. Review status: criteria provided, multiple submitters, no conflicts (2 of 4 stars). 3 submissions from 3 submitters: Benign (1); Likely benign (2). Last evaluated 2018-07-27.

Conditions:
Myostatin-related muscle hypertrophy (MSLHP). Also called: MUSCLE HYPERTROPHY. Identifiers: Orphanet 275534, MedGen C2931112, MONDO:0013598, OMIM 614160.

Allele frequency attached by ClinVar (database versions not stated): ExAC 0.00303; gnomAD exomes 0.00108 and 0.00326; gnomAD 0.00144 and 0.00107; TOPMed 0.00187; 1000 Genomes Project 0.00679; ESP Exome Variant Server 0.00015; 1000 Genomes Project 30x 0.00609.
gnomAD v4.1: 1,955 of 1,612,876 alleles (0.12%); highest among the groups gnomAD compares: East Asian, 2.7%; 26 homozygotes.

Submissions (3):

Labcorp Genetics (formerly Invitae), Labcorp
Classification: Benign. Last evaluated: 2018-07-27. Review status: criteria provided, single submitter. Criteria: Invitae Variant Classification Sherloc (09022015). Collection method: clinical testing. Allele origin: germline.

Illumina Laboratory Services, Illumina
Classification: Likely benign for Myostatin-related muscle hypertrophy. Last evaluated: 2017-04-27. Review status: criteria provided, single submitter. Criteria: ICSL Variant Classification Criteria 13 December 2019. Collection method: clinical testing. Allele origin: germline.
Comment: This variant was observed as part of a predisposition screen in an ostensibly healthy population. A literature search was performed for the gene, cDNA change, and amino acid change (where applicable). No publications were found based on this search. Allele frequency data from public databases allowed determination this variant is unlikely to cause disease. Therefore, this variant is classified as likely benign.

Breakthrough Genomics
Classification: Likely benign. Review status: criteria provided, single submitter. Criteria: ACMG Guidelines, 2015. Collection method: not provided. Allele origin: germline. Inheritance: Autosomal recessive inheritance. Affected: yes.